The following is an entry in ClinVar:

NM_020975.6(RET):c.3154C>G (p.Leu1052Val)

Gene: RET (ret proto-oncogene; plus strand). Cytogenetic location: 10q11.21.
Variant type: single nucleotide variant.
Coding change: c.3154C>G on transcript NM_020975.6 (MANE Select); coding-DNA position 3154, C replaced by G.
Protein change: p.Leu1052Val; replaces leucine 1052 with valine.
Molecular consequence: missense variant.
Genome position (GRCh38, 1-based): chr10:43,126,689, C>G. VCF-style: chr10-43126689-C-G. GRCh37 (hg19) VCF-style: chr10-43622137-C-G.
Other names: c.3154C>G, p.Leu1052Val (NM_000323.2, NM_001406743.1, NM_001406744.1 and 2 more transcripts); c.2392C>G, p.Leu798Val (NM_001355216.2); c.3025C>G, p.Leu1009Val (NM_001406761.1, NM_001406762.1, NM_001406764.1); c.3019C>G, p.Leu1007Val (NM_001406763.1, NM_001406765.1); c.2866C>G, p.Leu956Val (NM_001406766.1, NM_001406767.1, NM_001406770.1); c.2890C>G, p.Leu964Val (NM_001406768.1); c.2758C>G, p.Leu920Val (NM_001406769.1, NM_001406772.1); c.2716C>G, p.Leu906Val (NM_001406771.1, NM_001406773.1); and 10 more; short protein forms L1052V, L798V, L877V, L920V, L964V, L617V, L713V, L722V.
Identifiers: ClinVar variation 566706 (VCV000566706.9), dbSNP rs1564501947, ClinGen allele CA376558498.
Genomic context (GRCh38, chr10:43,126,689, plus strand): 5'-GGCCTCTCAGAGGAGGAGACACCGCTGGTGGACTGTAATAATGCCCCCCTCCCTCGAGCC[C>G]TCCCTTCCACATGGATTGAAAACAAACTCTATGGTAGAATTTCCCATGCATTTACTAGAT-3'
Protein context (NP_066124.1, residues 1042-1062): DCNNAPLPRA[Leu1052Val]PSTWIENKLY

ClinVar aggregate classification (germline): Uncertain significance (1 of 4 stars; one submission).

Conditions:
Multiple endocrine neoplasia, type 2 (MEN2). Identifiers: Orphanet 653, MedGen C4048306, MONDO:0019003. Disease mechanism: gain of function.

Submission:

Labcorp Genetics (formerly Invitae), Labcorp
Classification: Uncertain significance for Multiple endocrine neoplasia, type 2. Last evaluated: 2026-01-20. Review status: criteria provided, single submitter. Criteria: Invitae Variant Classification Sherloc (09022015). Collection method: clinical testing. Allele origin: germline.
Comment: This sequence change replaces leucine, which is neutral and non-polar, with valine, which is neutral and non-polar, at codon 1052 of the RET protein (p.Leu1052Val). This variant is not present in population databases (gnomAD no frequency). This missense change has been observed in individual(s) with Hirschsprung disease (PMID: 22174939). ClinVar contains an entry for this variant (Variation ID: 566706). An algorithm developed to predict the effect of missense changes on protein structure and function (PolyPhen-2) suggests that this variant is likely to be disruptive. In summary, the available evidence is currently insufficient to determine the role of this variant in disease. Therefore, it has been classified as a Variant of Uncertain Significance.

Literature cited by the submitters: PubMed 22174939.